The following is an entry in ClinVar:

ClinVar aggregate classification (germline): Uncertain significance (1 of 4 stars; one submission).

Allele frequency attached by ClinVar (database versions not stated): gnomAD exomes 0.00001.
gnomAD v4.1: 3 of 1,614,166 alleles (0.00019%); highest among the groups gnomAD compares: Non-Finnish European, 0.00025%; no homozygotes.

Submission:

Labcorp Genetics (formerly Invitae), Labcorp
Classification: Uncertain significance. Last evaluated: 2022-09-07. Review status: criteria provided, single submitter. Criteria: Invitae Variant Classification Sherloc (09022015). Collection method: clinical testing. Allele origin: germline.
Comment: In summary, the available evidence is currently insufficient to determine the role of this variant in disease. Therefore, it has been classified as a Variant of Uncertain Significance. Advanced modeling of protein sequence and biophysical properties (such as structural, functional, and spatial information, amino acid conservation, physicochemical variation, residue mobility, and thermodynamic stability) performed at Invitae indicates that this missense variant is not expected to disrupt OPA1 protein function. ClinVar contains an entry for this variant (Variation ID: 1442927). This variant has not been reported in the literature in individuals affected with OPA1-related conditions. This variant is not present in population databases (gnomAD no frequency). This sequence change replaces alanine, which is neutral and non-polar, with valine, which is neutral and non-polar, at codon 108 of the OPA1 protein (p.Ala108Val).

NM_130837.3(OPA1):c.323C>T (p.Ala108Val)

Gene: OPA1 (OPA1 mitochondrial dynamin like GTPase; plus strand). Cytogenetic location: 3q29.
Variant type: single nucleotide variant.
Coding change: c.323C>T on transcript NM_130837.3 (MANE Select); coding-DNA position 323, C replaced by T.
Protein change: p.Ala108Val; replaces alanine 108 with valine.
Molecular consequence: missense variant. On other transcripts: 5 prime UTR variant (2).
Genome position (GRCh38, 1-based): chr3:193,615,013, C>T. VCF-style: chr3-193615013-C-T. GRCh37 (hg19) VCF-style: chr3-193332802-C-T.
Other names: c.-50C>T (NM_001354663.2, NM_001354664.2); c.323C>T, p.Ala108Val (NM_015560.3, NM_130831.3, NM_130832.3 and 4 more transcripts); short protein forms A108V.
Identifiers: ClinVar variation 1442927 (VCV001442927.6), dbSNP rs2108865778, ClinGen allele CA355786961.